The following is an entry in ClinVar:

NM_201631.4(TGM5):c.1016G>A (p.Trp339Ter)

Gene: TGM5 (transglutaminase 5; minus strand). Cytogenetic location: 15q15.2.
Variant type: single nucleotide variant.
Coding change: c.1016G>A on transcript NM_201631.4 (MANE Select); coding-DNA position 1016, G replaced by A.
Protein change: p.Trp339Ter; replaces tryptophan 339 with a stop codon.
Molecular consequence: nonsense.
Genome position (GRCh38, 1-based): chr15:43,239,252, C>T on the plus strand (G>A on the coding strand, the complement: TGM5 is on the minus strand). VCF-style: chr15-43239252-C-T. GRCh37 (hg19) VCF-style: chr15-43531450-C-T.
Other names: c.770G>A, p.Trp257Ter (NM_004245.4); short protein forms W257*, W339*.
Identifiers: ClinVar variation 1200686 (VCV001200686.3), dbSNP rs773680472, ClinGen allele CA7521112.

ClinVar aggregate classification (germline): Pathogenic (1 of 4 stars; one submission).

Allele frequency attached by ClinVar (database versions not stated): TOPMed 0.00001; gnomAD exomes 0.00002 and 0.00005; ExAC 0.00004.
gnomAD v4.1: 31 of 1,614,172 alleles (0.0019%); highest among the groups gnomAD compares: East Asian, 0.067%; no homozygotes.

Submission:

GeneDx
Classification: Pathogenic. Last evaluated: 2019-08-23. Review status: criteria provided, single submitter. Criteria: GeneDx Variant Classification Process June 2021. Collection method: clinical testing. Allele origin: germline. Affected: yes.
Comment: Nonsense variant predicted to result in protein truncation or nonsense mediated decay in a gene for which loss-of-function is a known mechanism of disease; Has not been previously published as pathogenic or benign to our knowledge